The following is an entry in ClinVar:

NM_015030.2(FRYL):c.3731A>G (p.Lys1244Arg)

Gene: FRYL (FRY like transcription coactivator; minus strand). Cytogenetic location: 4p11.
Variant type: single nucleotide variant.
Coding change: c.3731A>G on transcript NM_015030.2 (MANE Select); coding-DNA position 3731, A replaced by G.
Protein change: p.Lys1244Arg; replaces lysine 1244 with arginine.
Molecular consequence: missense variant.
Genome position (GRCh38, 1-based): chr4:48,561,602, T>C on the plus strand (A>G on the coding strand, the complement: FRYL is on the minus strand). VCF-style: chr4-48561602-T-C. GRCh37 (hg19) VCF-style: chr4-48563619-T-C.
Other names: short protein forms K1244R.
Identifiers: ClinVar variation 4529972 (VCV004529972.1).
Genomic context (GRCh38, chr4:48,561,602, plus strand): 5'-TAGAGATGTGGTAGAGGAGACAGCTGGCTGAGTACTCCATCTGTTCTCTGAACCTCCAAT[T>C]TGTGAGCATAGCGAAACATCTTCGGTTCCAGAATCTATAGGAATGTGATTCCATCAACTT-3'
Protein context (NP_055845.1, residues 1234-1254): LEPKMFRYAH[Lys1244Arg]LEVQRTDGVL

ClinVar aggregate classification (germline): Uncertain significance (1 of 4 stars; one submission).

gnomAD v4.1: 1 of 1,611,434 alleles (0.000062%); highest among the groups gnomAD compares: Non-Finnish European, 0.000085%; no homozygotes.

Submission:

GeneDx
Classification: Uncertain significance. Last evaluated: 2025-05-13. Review status: criteria provided, single submitter. Criteria: GeneDx Variant Classification Process June 2021. Collection method: clinical testing. Allele origin: germline. Affected: yes.
Comment: Not observed at significant frequency in large population cohorts (gnomAD); In silico analysis suggests that this missense variant does not alter protein structure/function; In silico analysis suggests this variant may impact gene splicing. In the absence of RNA/functional studies, the actual effect of this sequence change is unknown.; Has not been previously published as pathogenic or benign to our knowledge